The following is an entry in ClinVar:

ClinVar aggregate classification (germline): Benign/Likely benign. Review status: criteria provided, multiple submitters, no conflicts (2 of 4 stars). 7 submissions from 7 submitters: Benign (2); Likely benign (4). 1 of the submissions does not count toward it. Last evaluated 2026-06-01.

Conditions:
Inborn genetic diseases. Identifiers: MedGen C0950123, MeSH D030342.
Coffin-Siris syndrome 1 (CSS1). Also called: ARID1B-Related Coffin-Siris Syndrome; Mental retardation, autosomal dominant 12. Identifiers: Orphanet 1465, MedGen C3281201, MONDO:0007617, OMIM 135900. Disease mechanism: gain of function.

Allele frequency attached by ClinVar (database versions not stated): gnomAD 0.00064; gnomAD exomes 0.00150; ExAC 0.00173.
gnomAD v4.1: 1,116 of 1,337,884 alleles (0.083%); highest among the groups gnomAD compares: South Asian, 0.24%; no homozygotes.

Submissions (7):

CeGaT Center for Human Genetics Tuebingen
Classification: Likely benign. Last evaluated: 2026-06-01. Review status: criteria provided, single submitter. Criteria: CeGaT Center For Human Genetics Tuebingen Variant Classification Criteria Version 2. Collection method: clinical testing. Allele origin: germline. Affected: yes. Observed: 7 variant alleles.
Comment: ARID1B: BP4, BP7, BS1

Labcorp Genetics (formerly Invitae), Labcorp
Classification: Likely benign. Last evaluated: 2025-11-17. Review status: criteria provided, single submitter. Criteria: Invitae Variant Classification Sherloc (09022015). Collection method: clinical testing. Allele origin: germline.

Blueprint Genetics
Classification: Likely benign. Last evaluated: 2024-11-04. Review status: criteria provided, single submitter. Criteria: ACMG Guidelines, 2015. Collection method: clinical testing. Allele origin: germline.

Ambry Genetics
Classification: Likely benign for Inborn genetic diseases. Last evaluated: 2024-02-21. Review status: criteria provided, single submitter. Criteria: Ambry Variant Classification Scheme 2023. Collection method: clinical testing. Allele origin: germline.

Genome-Nilou Lab
Classification: Benign for Coffin-Siris syndrome 1. Last evaluated: 2021-07-15. Review status: criteria provided, single submitter. Criteria: ACMG Guidelines, 2015. Collection method: clinical testing. Allele origin: germline. Affected: no.

GeneDx
Classification: Benign. Last evaluated: 2019-07-02. Review status: criteria provided, single submitter. Criteria: GeneDx Variant Classification Process June 2021. Collection method: clinical testing. Allele origin: germline. Affected: yes.

Genetic Services Laboratory, University of Chicago
Classification: Likely benign for AllHighlyPenetrant. Review status: no assertion criteria provided. Collection method: clinical testing. Allele origin: germline. Inheritance: Autosomal dominant inheritance. Observed: 1 variant allele. Not counted in ClinVar's aggregate classification.
Comment: Likely benign based on allele frequency in 1000 Genomes Project or ESP global frequency and its presence in a patient with a rare or unrelated disease phenotype. NOT Sanger confirmed.

NM_001374828.1(ARID1B):c.1191C>A (p.Gly397=)

Gene: ARID1B (AT-rich interaction domain 1B; plus strand). Cytogenetic location: 6q25.3.
Variant type: single nucleotide variant.
Coding change: c.1191C>A on transcript NM_001374828.1 (MANE Select); coding-DNA position 1191, C replaced by A.
Protein change: p.Gly397=; no amino-acid change (glycine 397 retained).
Molecular consequence: synonymous variant.
Genome position (GRCh38, 1-based): chr6:156,778,871, C>A. VCF-style: chr6-156778871-C-A. GRCh37 (hg19) VCF-style: chr6-157100005-C-A.
Other names: c.942C>A, p.Gly314= (NM_020732.3); c.1191C>A, p.Gly397= (NM_001371656.1, NM_001374820.1, NM_017519.3).
Identifiers: ClinVar variation 126339 (VCV000126339.48), dbSNP rs184815562, ClinGen allele CA151074.